The following is an entry in ClinVar:

ClinVar aggregate classification (germline): Uncertain significance (1 of 4 stars; one submission).

Submission:

Labcorp Genetics (formerly Invitae), Labcorp
Classification: Uncertain significance. Last evaluated: 2017-10-08. Review status: criteria provided, single submitter. Criteria: Invitae Variant Classification Sherloc (09022015). Collection method: clinical testing. Allele origin: germline.
Comment: In summary, the available evidence is currently insufficient to determine the role of this variant in disease. Therefore, it has been classified as a Variant of Uncertain Significance. Algorithms developed to predict the effect of missense changes on protein structure and function (SIFT, PolyPhen-2, Align-GVGD) all suggest that this variant is likely to be disruptive, but these predictions have not been confirmed by published functional studies and their clinical significance is uncertain. This variant has not been reported in the literature in individuals with PLEKHG2-related disease. This variant is not present in population databases (ExAC no frequency). This sequence change replaces proline with arginine at codon 1319 of the PLEKHG2 protein (p.Pro1319Arg). The proline residue is highly conserved and there is a moderate physicochemical difference between proline and arginine.

NM_022835.3(PLEKHG2):c.3956C>G (p.Pro1319Arg)

Gene: PLEKHG2 (pleckstrin homology and RhoGEF domain containing G2; plus strand). Cytogenetic location: 19q13.2.
Variant type: single nucleotide variant.
Coding change: c.3956C>G on transcript NM_022835.3 (MANE Select); coding-DNA position 3956, C replaced by G.
Protein change: p.Pro1319Arg; replaces proline 1319 with arginine.
Molecular consequence: missense variant. On other transcripts: intron variant (2).
Genome position (GRCh38, 1-based): chr19:39,425,089, C>G. VCF-style: chr19-39425089-C-G. GRCh37 (hg19) VCF-style: chr19-39915729-C-G.
Other names: c.3573-149C>G (NM_001351693.2); c.1678-149C>G (NM_001351694.2); short protein forms P1319R.
Identifiers: ClinVar variation 1063165 (VCV001063165.9), dbSNP rs765792959, ClinGen allele CA405810862.